The following is an entry in ClinVar:

ClinVar aggregate classification (germline): Likely benign. Review status: criteria provided, multiple submitters, no conflicts (2 of 4 stars). 4 submissions from 4 submitters: Likely benign (4). Last evaluated 2026-01-21.

Conditions:
Hereditary cancer-predisposing syndrome. Also called: Neoplastic Syndromes, Hereditary; Tumor predisposition; Hereditary Cancer Syndrome; Hereditary neoplastic syndrome. Identifiers: Orphanet 140162, MedGen C0027672, MeSH D009386, MONDO:0015356.

Allele frequency attached by ClinVar (database versions not stated): gnomAD exomes below 0.00001 and 0.00001; TOPMed below 0.00001.
gnomAD v4.1: 7 of 1,614,012 alleles (0.00043%); highest among the groups gnomAD compares: South Asian, 0.0033%; no homozygotes.

Submissions (4):

Labcorp Genetics (formerly Invitae), Labcorp
Classification: Likely benign. Last evaluated: 2026-01-21. Review status: criteria provided, single submitter. Criteria: Invitae Variant Classification Sherloc (09022015). Collection method: clinical testing. Allele origin: germline.

Quest Diagnostics Nichols Institute San Juan Capistrano
Classification: Likely benign. Last evaluated: 2019-09-24. Review status: criteria provided, single submitter. Criteria: Quest Diagnostics criteria. Collection method: clinical testing. Allele origin: unknown.

GeneDx
Classification: Likely benign. Last evaluated: 2018-02-26. Review status: criteria provided, single submitter. Criteria: GeneDx Variant Classification (06012015). Collection method: clinical testing. Allele origin: germline. Affected: yes.
Comment: This variant is considered likely benign or benign based on one or more of the following criteria: it is a conservative change, it occurs at a poorly conserved position in the protein, it is predicted to be benign by multiple in silico algorithms, and/or has population frequency not consistent with disease.

Ambry Genetics
Classification: Likely benign for Hereditary cancer-predisposing syndrome. Last evaluated: 2016-03-02. Review status: criteria provided, single submitter. Criteria: Ambry Variant Classification Scheme 2023. Collection method: clinical testing. Allele origin: germline.

NM_006231.4(POLE):c.5757A>G (p.Pro1919=)

Gene: POLE (DNA polymerase epsilon, catalytic subunit; minus strand). Cytogenetic location: 12q24.33.
Variant type: single nucleotide variant.
Coding change: c.5757A>G on transcript NM_006231.4 (MANE Select); coding-DNA position 5757, A replaced by G.
Protein change: p.Pro1919=; no amino-acid change (proline 1919 retained).
Molecular consequence: synonymous variant.
Genome position (GRCh38, 1-based): chr12:132,635,946, T>C on the plus strand (A>G on the coding strand, the complement: POLE is on the minus strand). VCF-style: chr12-132635946-T-C. GRCh37 (hg19) VCF-style: chr12-133212532-T-C.
Identifiers: ClinVar variation 473761 (VCV000473761.17), dbSNP rs1426714579, ClinGen allele CA482726105.